The following is an entry in ClinVar:

ClinVar aggregate classification (germline): Likely pathogenic (1 of 4 stars; one submission).

Conditions:
Neuromuscular disease caused by qualitative or quantitative defects of dystrophin. Also called: Qualitative or quantitative defects of dystrophin. Identifiers: Orphanet 207085, MedGen C5679787, MONDO:0016147.

Submission:

Women's Health and Genetics/Laboratory Corporation of America, LabCorp
Classification: Likely pathogenic for Neuromuscular disease caused by qualitative or quantitative defects of dystrophin. Last evaluated: 2022-02-23. Review status: criteria provided, single submitter. Criteria: LabCorp Variant Classification Summary - May 2015. Collection method: clinical testing. Allele origin: germline.
Comment: Variant summary: The variant identified by MLPA or other technology involves the duplication of exons 34-41 in the DMD gene. A presumed nomenclature of c.(4674+1_4675-1)_(5922+1_5923-1)dup has been designated for the purposes of this classification. It has been assumed that this is a tandem duplication in direct orientation (Richardson_GIM_2018, Newman_AJHG_2015). Although exact breakpoints of this duplication are not known, it is expected to result in a large in-frame duplication change in the DMD gene. The variant was absent in 16120 control chromosomes. c.(4674+1_4675-1)_(5922+1_5923-1)dup has been reported in the literature in at least one individual affected with Dystrophinopathies. No clinical diagnostic laboratories have submitted clinical-significance assessments for this variant to ClinVar after 2014. Based on the evidence outlined above, the variant was classified as likely pathogenic.

Literature cited by the submitters: PubMed 18853462.

NC_000023.10:g.(32328394_32360216)_(32398798_32404426)dup

Gene: DMD (dystrophin; minus strand). Cytogenetic location: Xp21.1.
Variant type: Duplication.
Identifiers: ClinVar variation 1343581 (VCV001343581.1).